The following is an entry in ClinVar:

ClinVar aggregate classification (germline): Uncertain significance. Review status: criteria provided, multiple submitters, no conflicts (2 of 4 stars). 2 submissions from 2 submitters: Uncertain significance (2). Last evaluated 2023-02-24.

Conditions:
Hereditary cancer-predisposing syndrome. Also called: Tumor predisposition; Hereditary neoplastic syndrome; Neoplastic Syndromes, Hereditary; Hereditary Cancer Syndrome. Identifiers: Orphanet 140162, MedGen C0027672, MeSH D009386, MONDO:0015356.

Allele frequency attached by ClinVar (database versions not stated): gnomAD exomes 0.00001.
gnomAD v4.1: 7 of 1,614,174 alleles (0.00043%); highest among the groups gnomAD compares: Middle Eastern, 0.12%; no homozygotes.

Submissions (2):

Ambry Genetics
Classification: Uncertain significance for Hereditary cancer-predisposing syndrome. Last evaluated: 2023-02-24. Review status: criteria provided, single submitter. Criteria: Ambry Variant Classification Scheme 2023. Collection method: clinical testing. Allele origin: germline.
Comment: The p.D94N variant (also known as c.280G>A), located in coding exon 2 of the MSH3 gene, results from a G to A substitution at nucleotide position 280. The aspartic acid at codon 94 is replaced by asparagine, an amino acid with highly similar properties. This amino acid position is conserved. In addition, this alteration is predicted to be tolerated by in silico analysis. Since supporting evidence is limited at this time, the clinical significance of this alteration remains unclear.

Labcorp Genetics (formerly Invitae), Labcorp
Classification: Uncertain significance. Last evaluated: 2023-01-03. Review status: criteria provided, single submitter. Criteria: Invitae Variant Classification Sherloc (09022015). Collection method: clinical testing. Allele origin: germline.
Comment: ClinVar contains an entry for this variant (Variation ID: 861696). This variant has not been reported in the literature in individuals affected with MSH3-related conditions. This variant is not present in population databases (gnomAD no frequency). This sequence change replaces aspartic acid, which is acidic and polar, with asparagine, which is neutral and polar, at codon 94 of the MSH3 protein (p.Asp94Asn). Algorithms developed to predict the effect of missense changes on protein structure and function output the following: SIFT: "Tolerated"; PolyPhen-2: "Benign"; Align-GVGD: "Class C0". The asparagine amino acid residue is found in multiple mammalian species, which suggests that this missense change does not adversely affect protein function. In summary, the available evidence is currently insufficient to determine the role of this variant in disease. Therefore, it has been classified as a Variant of Uncertain Significance.

NM_002439.5(MSH3):c.280G>A (p.Asp94Asn)

Gene: MSH3 (mutS homolog 3; plus strand). Cytogenetic location: 5q14.1.
Variant type: single nucleotide variant.
Coding change: c.280G>A on transcript NM_002439.5 (MANE Select); coding-DNA position 280, G replaced by A.
Protein change: p.Asp94Asn; replaces aspartic acid 94 with asparagine.
Molecular consequence: missense variant.
Genome position (GRCh38, 1-based): chr5:80,656,453, G>A. VCF-style: chr5-80656453-G-A. GRCh37 (hg19) VCF-style: chr5-79952272-G-A.
Other names: c.280G>A (NM_002439.3); short protein forms D94N.
Identifiers: ClinVar variation 861696 (VCV000861696.9), dbSNP rs1749287670, ClinGen allele CA360266243.